The following is an entry in ClinVar:

NM_203447.4(DOCK8):c.4567C>T (p.Arg1523Trp)

Gene: DOCK8 (dedicator of cytokinesis 8; plus strand). Cytogenetic location: 9p24.3.
Variant type: single nucleotide variant.
Coding change: c.4567C>T on transcript NM_203447.4 (MANE Select); coding-DNA position 4567, C replaced by T.
Protein change: p.Arg1523Trp; replaces arginine 1523 with tryptophan.
Molecular consequence: missense variant.
Genome position (GRCh38, 1-based): chr9:429,795, C>T. VCF-style: chr9-429795-C-T. GRCh37 (hg19) VCF-style: chr9-429795-C-T.
Other names: c.4267C>T, p.Arg1423Trp (NM_001190458.2); c.4363C>T, p.Arg1455Trp (NM_001193536.2); short protein forms R1523W, R1423W, R1455W.
Identifiers: ClinVar variation 3660606 (VCV003660606.2).

ClinVar aggregate classification (germline): Uncertain significance (1 of 4 stars; one submission).

Conditions:
Combined immunodeficiency due to DOCK8 deficiency (HIES2). Also called: HIES autosomal recessive; HYPER-IgE SYNDROME 2, AUTOSOMAL RECESSIVE, WITH RECURRENT INFECTIONS; DOCK8 Deficiency; Hyper-IgE recurrent infection syndrome, autosomal recessive; HYPER-IgE RECURRENT INFECTION SYNDROME 2, AUTOSOMAL RECESSIVE. Identifiers: Orphanet 217390, MedGen C4722305, MONDO:0009478, OMIM 243700.

gnomAD v4.1: 5 of 1,614,166 alleles (0.00031%); highest among the groups gnomAD compares: South Asian, 0.0022%; no homozygotes.

Submission:

Labcorp Genetics (formerly Invitae), Labcorp
Classification: Uncertain significance for Combined immunodeficiency due to DOCK8 deficiency. Last evaluated: 2024-07-25. Review status: criteria provided, single submitter. Criteria: Invitae Variant Classification Sherloc (09022015). Collection method: clinical testing. Allele origin: germline.
Comment: This sequence change replaces arginine, which is basic and polar, with tryptophan, which is neutral and slightly polar, at codon 1523 of the DOCK8 protein (p.Arg1523Trp). This variant is present in population databases (rs751437482, gnomAD 0.003%). This variant has not been reported in the literature in individuals affected with DOCK8-related conditions. Advanced modeling of protein sequence and biophysical properties (such as structural, functional, and spatial information, amino acid conservation, physicochemical variation, residue mobility, and thermodynamic stability) has been performed at Invitae for this missense variant, however the output from this modeling did not meet the statistical confidence thresholds required to predict the impact of this variant on DOCK8 protein function. In summary, the available evidence is currently insufficient to determine the role of this variant in disease. Therefore, it has been classified as a Variant of Uncertain Significance.